The following is an entry in ClinVar:

ClinVar aggregate classification (germline): Uncertain significance. Review status: criteria provided, multiple submitters, no conflicts (2 of 4 stars). 2 submissions from 2 submitters: Uncertain significance (2). Last evaluated 2025-06-18.

Conditions:
Hereditary cancer-predisposing syndrome. Also called: Tumor predisposition; Neoplastic Syndromes, Hereditary; Hereditary Cancer Syndrome; Hereditary neoplastic syndrome. Identifiers: Orphanet 140162, MedGen C0027672, MeSH D009386, MONDO:0015356.
EGFR-related lung cancer (EGFR). Identifiers: MedGen CN130014.

gnomAD v4.1: 4 of 1,614,006 alleles (0.00025%); highest among the groups gnomAD compares: South Asian, 0.0011%; no homozygotes.

Submissions (2):

Ambry Genetics
Classification: Uncertain significance for Hereditary cancer-predisposing syndrome. Last evaluated: 2025-06-18. Review status: criteria provided, single submitter. Criteria: Ambry Variant Classification Scheme 2023. Collection method: clinical testing. Allele origin: germline.
Comment: The p.R958C variant (also known as c.2872C>T), located in coding exon 24 of the EGFR gene, results from a C to T substitution at nucleotide position 2872. The arginine at codon 958 is replaced by cysteine, an amino acid with highly dissimilar properties. This amino acid position is highly conserved in available vertebrate species. In addition, this alteration is predicted to be deleterious by in silico analysis. Based on the available evidence, the clinical significance of this variant remains unclear.

Labcorp Genetics (formerly Invitae), Labcorp
Classification: Uncertain significance for EGFR-related lung cancer. Last evaluated: 2024-05-15. Review status: criteria provided, single submitter. Criteria: Invitae Variant Classification Sherloc (09022015). Collection method: clinical testing. Allele origin: germline.
Comment: This sequence change replaces arginine, which is basic and polar, with cysteine, which is neutral and slightly polar, at codon 958 of the EGFR protein (p.Arg958Cys). This variant is not present in population databases (gnomAD no frequency). This variant has not been reported in the literature in individuals affected with EGFR-related conditions. Advanced modeling of protein sequence and biophysical properties (such as structural, functional, and spatial information, amino acid conservation, physicochemical variation, residue mobility, and thermodynamic stability) performed at Invitae indicates that this missense variant is expected to disrupt EGFR protein function with a positive predictive value of 80%. In summary, the available evidence is currently insufficient to determine the role of this variant in disease. Therefore, it has been classified as a Variant of Uncertain Significance.

NM_005228.5(EGFR):c.2872C>T (p.Arg958Cys)

Gene: EGFR (epidermal growth factor receptor; plus strand). Cytogenetic location: 7p11.2.
Variant type: single nucleotide variant.
Coding change: c.2872C>T on transcript NM_005228.5 (MANE Select); coding-DNA position 2872, C replaced by T.
Protein change: p.Arg958Cys; replaces arginine 958 with cysteine.
Molecular consequence: missense variant.
Genome position (GRCh38, 1-based): chr7:55,200,339, C>T. VCF-style: chr7-55200339-C-T. GRCh37 (hg19) VCF-style: chr7-55268032-C-T.
Other names: c.2737C>T, p.Arg913Cys (NM_001346897.2, NM_001346899.2); c.2872C>T, p.Arg958Cys (NM_001346898.2); c.2713C>T, p.Arg905Cys (NM_001346900.2); c.2071C>T, p.Arg691Cys (NM_001346941.2); short protein forms R905C, R913C, R691C, R958C.
Identifiers: ClinVar variation 3690071 (VCV003690071.3).